The following is an entry in ClinVar:

NM_004260.4(RECQL4):c.989C>T (p.Ala330Val)

Gene: RECQL4 (RecQ like helicase 4; minus strand). Cytogenetic location: 8q24.3.
Variant type: single nucleotide variant.
Coding change: c.989C>T on transcript NM_004260.4 (MANE Select); coding-DNA position 989, C replaced by T.
Protein change: p.Ala330Val; replaces alanine 330 with valine.
Molecular consequence: missense variant.
Genome position (GRCh38, 1-based): chr8:144,516,130, G>A on the plus strand (C>T on the coding strand, the complement: RECQL4 is on the minus strand). VCF-style: chr8-144516130-G-A. GRCh37 (hg19) VCF-style: chr8-145741514-G-A.
Other names: c.989C>T (NM_004260.3); c.989C>T, p.Ala330Val (NM_001413018.1, NM_001413019.1, NM_001413033.1 and 2 more transcripts); c.-83C>T (NM_001413021.1, NM_001413022.1, NM_001413023.1 and 7 more transcripts); c.860C>T, p.Ala287Val (NM_001413025.1); c.-145C>T (NM_001413027.1, NM_001413030.1, NM_001413031.1 and 2 more transcripts); c.638C>T, p.Ala213Val (NM_001413029.1); c.-352C>T (NM_001413043.1); short protein forms A213V, A287V, A330V.
Identifiers: ClinVar variation 1960699 (VCV001960699.6), dbSNP rs1456623186, ClinGen allele CA372688410.
Genomic context (GRCh38, chr8:144,516,130, plus strand): 5'-CTGTCATGGCGGGCCAGCCGAGGGAAGATGTGCAGGGGGGCTGTGCCCTCAGCCTTCCCA[G>A]CCCTAGCTTGACTGGAGGGGCTGAGTCCGTGGTACCTGGGGTTCGATGGGCTGCTGCAGG-3'
Protein context (NP_004251.4, residues 320-340): HGLSPSSQAR[Ala330Val]GKAEGTAPLH

ClinVar aggregate classification (germline): Conflicting classifications of pathogenicity. Review status: criteria provided, conflicting classifications (1 of 4 stars). 2 submissions from 2 submitters: Uncertain significance (1); Likely benign (1). Last evaluated 2026-03-03.

Conditions:
Inborn genetic diseases. Identifiers: MedGen C0950123, MeSH D030342.
Baller-Gerold syndrome (BGS). Also called: CRANIOSYNOSTOSIS WITH RADIAL DEFECTS. Identifiers: Orphanet 1225, MedGen C0265308, MONDO:0009039, OMIM 218600.

Submissions (2):

Ambry Genetics
Classification: Likely benign for Inborn genetic diseases. Last evaluated: 2026-03-03. Review status: criteria provided, single submitter. Criteria: Ambry Variant Classification Scheme 2023. Collection method: clinical testing. Allele origin: germline.

Labcorp Genetics (formerly Invitae), Labcorp
Classification: Uncertain significance for Baller-Gerold syndrome. Last evaluated: 2022-04-10. Review status: criteria provided, single submitter. Criteria: Invitae Variant Classification Sherloc (09022015). Collection method: clinical testing. Allele origin: germline.
Comment: This sequence change replaces alanine, which is neutral and non-polar, with valine, which is neutral and non-polar, at codon 330 of the RECQL4 protein (p.Ala330Val). This variant is not present in population databases (gnomAD no frequency). This variant has not been reported in the literature in individuals affected with RECQL4-related conditions. Experimental studies and prediction algorithms are not available or were not evaluated, and the functional significance of this variant is currently unknown. In summary, the available evidence is currently insufficient to determine the role of this variant in disease. Therefore, it has been classified as a Variant of Uncertain Significance.